The following is an entry in ClinVar:

ClinVar aggregate classification (germline): Conflicting classifications of pathogenicity. Review status: criteria provided, conflicting classifications (1 of 4 stars). 2 submissions from 2 submitters: Uncertain significance (1); Likely benign (1). Last evaluated 2024-02-08.

Conditions:
Hereditary cancer-predisposing syndrome. Also called: Hereditary neoplastic syndrome; Neoplastic Syndromes, Hereditary; Hereditary Cancer Syndrome; Tumor predisposition. Identifiers: Orphanet 140162, MedGen C0027672, MeSH D009386, MONDO:0015356.

Submissions (2):

Labcorp Genetics (formerly Invitae), Labcorp
Classification: Uncertain significance. Last evaluated: 2024-02-08. Review status: criteria provided, single submitter. Criteria: Invitae Variant Classification Sherloc (09022015). Collection method: clinical testing. Allele origin: germline.
Comment: This sequence change replaces glutamic acid, which is acidic and polar, with glutamine, which is neutral and polar, at codon 13 of the XRCC2 protein (p.Glu13Gln). This variant is not present in population databases (gnomAD no frequency). This variant has not been reported in the literature in individuals affected with XRCC2-related conditions. ClinVar contains an entry for this variant (Variation ID: 658751). Algorithms developed to predict the effect of missense changes on protein structure and function output the following: SIFT: "Not Available"; PolyPhen-2: "Benign"; Align-GVGD: "Not Available". The glutamine amino acid residue is found in multiple mammalian species, which suggests that this missense change does not adversely affect protein function. In summary, the available evidence is currently insufficient to determine the role of this variant in disease. Therefore, it has been classified as a Variant of Uncertain Significance.

Ambry Genetics
Classification: Likely benign for Hereditary cancer-predisposing syndrome. Last evaluated: 2024-01-27. Review status: criteria provided, single submitter. Criteria: Ambry Variant Classification Scheme 2023. Collection method: clinical testing. Allele origin: germline.

NM_005431.2(XRCC2):c.37G>C (p.Glu13Gln)

Gene: XRCC2 (X-ray repair cross complementing 2; minus strand). Cytogenetic location: 7q36.1.
Variant type: single nucleotide variant.
Coding change: c.37G>C on transcript NM_005431.2 (MANE Select); coding-DNA position 37, G replaced by C.
Protein change: p.Glu13Gln; replaces glutamic acid 13 with glutamine.
Molecular consequence: missense variant.
Genome position (GRCh38, 1-based): chr7:152,676,043, C>G on the plus strand (G>C on the coding strand, the complement: XRCC2 is on the minus strand). VCF-style: chr7-152676043-C-G. GRCh37 (hg19) VCF-style: chr7-152373128-C-G.
Other names: short protein forms E13Q.
Identifiers: ClinVar variation 658751 (VCV000658751.13), dbSNP rs1590140903, ClinGen allele CA370199574.